The following is an entry in ClinVar:

ClinVar aggregate classification (germline): Pathogenic (1 of 4 stars; one submission).

Allele frequency attached by ClinVar (database versions not stated): TOPMed below 0.00001.

Submission:

Labcorp Genetics (formerly Invitae), Labcorp
Classification: Pathogenic. Last evaluated: 2022-09-19. Review status: criteria provided, single submitter. Criteria: Invitae Variant Classification Sherloc (09022015). Collection method: clinical testing. Allele origin: germline.
Comment: This sequence change creates a premature translational stop signal (p.Leu111Glnfs*8) in the ORC4 gene. It is expected to result in an absent or disrupted protein product. Loss-of-function variants in ORC4 are known to be pathogenic (PMID: 21358631, 21358632, 22333897). This variant is not present in population databases (gnomAD no frequency). This variant has not been reported in the literature in individuals affected with ORC4-related conditions. ClinVar contains an entry for this variant (Variation ID: 1026709). For these reasons, this variant has been classified as Pathogenic.

Literature cited by the submitters: PubMed 21358631; PubMed 21358632; PubMed 22333897.

NM_181741.4(ORC4):c.332del (p.Leu111fs)

Gene: ORC4 (origin recognition complex subunit 4; minus strand). Cytogenetic location: 2q23.1.
Variant type: Deletion.
Coding change: c.332del on transcript NM_181741.4 (MANE Select); coding-DNA position 332, one base deleted (T; older notation c.332delT).
Protein change: p.Leu111fs; shifts the reading frame from leucine 111.
Molecular consequence: frameshift variant.
Genome position (GRCh38, 1-based): chr2:147,958,353, A deleted on the plus strand (T on the coding strand, the reverse complement: ORC4 is on the minus strand). VCF-style (leftmost placement, unchanged base first): chr2-147958352-TA-T. GRCh37 (hg19) VCF-style: chr2-148715921-TA-T.
Other names: c.332del, p.Leu111fs (NM_001190879.3, NM_001374270.1, NM_002552.5); c.80del, p.Leu27fs (NM_001190881.3, NM_001374272.1); c.110del, p.Leu37fs (NM_001190882.3); c.332delT, p.Leu111Glnfs (NM_181742.5); short protein forms L111fs, L27fs, L37fs.
Identifiers: ClinVar variation 1026709 (VCV001026709.6), dbSNP rs1689380193, ClinGen allele CA429221490.